The following is an entry in ClinVar:

NM_138387.4(G6PC3):c.376del (p.Ile125_Met126insTer)

Gene: G6PC3 (glucose-6-phosphatase catalytic subunit 3; plus strand). Cytogenetic location: 17q21.31.
Variant type: Deletion.
Coding change: c.376del on transcript NM_138387.4 (MANE Select); coding-DNA position 376, one base deleted (A; older notation c.376delA).
Protein change: p.Ile125_Met126insTer.
Molecular consequence: nonsense.
Genome position (GRCh38, 1-based): chr17:44,074,730, A deleted; the last of 2 consecutive A bases (chr17:44,074,729-44,074,730); deleting either gives the same sequence. VCF-style (leftmost placement, unchanged base first): chr17-44074728-TA-T. GRCh37 (hg19) VCF-style: chr17-42152096-TA-T.
Other names: c.376del, p.Ile125_Met126insTer (NM_001319945.2); c.31del, p.Ile10_Met11insTer (NM_001384165.1, NM_001384166.1, NM_001384167.1 and 1 more transcripts).
Identifiers: ClinVar variation 2769107 (VCV002769107.3), dbSNP rs1201721504, ClinGen allele CA772253222.
Genomic context (GRCh38, chr17:44,074,728, plus strand): 5'-ATTTGCTGGCAGGCAGCCCTTCTGGACACTGCATGATCACAGGAGCAGCCCTCTGGCCCA[TA>T]ATGACGGCCCTGTCTTCGCAGGTGGCCACTCGGGCCCGCAGGTATACCCTTGGCATTGCC-3'

ClinVar aggregate classification (germline): Pathogenic (1 of 4 stars; one submission).

Conditions:
Autosomal recessive severe congenital neutropenia due to G6PC3 deficiency. Also called: NEUTROPENIA, SEVERE CONGENITAL, 4, AUTOSOMAL RECESSIVE; G6PC3 Deficiency. Identifiers: Orphanet 331176, MedGen C2751630, MONDO:0012930, OMIM 612541.

Submission:

Labcorp Genetics (formerly Invitae), Labcorp
Classification: Pathogenic for Autosomal recessive severe congenital neutropenia due to G6PC3 deficiency. Last evaluated: 2024-10-22. Review status: criteria provided, single submitter. Criteria: Invitae Variant Classification Sherloc (09022015). Collection method: clinical testing. Allele origin: germline.
Comment: This sequence change creates a premature translational stop signal (p.Met126*) in the G6PC3 gene. It is expected to result in an absent or disrupted protein product. Loss-of-function variants in G6PC3 are known to be pathogenic (PMID: 19118303, 25491320). This variant is not present in population databases (gnomAD no frequency). This variant has not been reported in the literature in individuals affected with G6PC3-related conditions. For these reasons, this variant has been classified as Pathogenic.

Literature cited by the submitters: PubMed 19118303; PubMed 25491320.